The following is an entry in ClinVar:

NM_000264.5(PTCH1):c.3332A>G (p.Lys1111Arg)

Gene: PTCH1 (patched 1; minus strand). Cytogenetic location: 9q22.32.
Variant type: single nucleotide variant.
Coding change: c.3332A>G on transcript NM_000264.5 (MANE Select); coding-DNA position 3332, A replaced by G.
Protein change: p.Lys1111Arg; replaces lysine 1111 with arginine.
Molecular consequence: missense variant. On other transcripts: non-coding transcript variant (1).
Genome position (GRCh38, 1-based): chr9:95,453,595, T>C on the plus strand (A>G on the coding strand, the complement: PTCH1 is on the minus strand). VCF-style: chr9-95453595-T-C. GRCh37 (hg19) VCF-style: chr9-98215877-T-C.
Other names: c.3134A>G, p.Lys1045Arg (NM_001083602.3); c.3329A>G, p.Lys1110Arg (NM_001083603.3); c.2879A>G, p.Lys960Arg (NM_001083604.3, NM_001083605.3, NM_001083606.3 and 1 more transcripts); c.3176A>G, p.Lys1059Arg (NM_001354918.2); short protein forms K1045R, K1111R, K1059R, K1110R, K960R.
Identifiers: ClinVar variation 1351084 (VCV001351084.6), dbSNP rs2136632174, ClinGen allele CA374111884.

ClinVar aggregate classification (germline): Uncertain significance (1 of 4 stars; one submission).

Conditions:
Gorlin syndrome. Also called: Basal cell nevus syndrome; Nevoid Basal Cell Carcinoma Syndrome. Identifiers: Orphanet 377, MedGen C0004779, MONDO:0007187.

Allele frequency attached by ClinVar (database versions not stated): gnomAD exomes below 0.00001.
gnomAD v4.1: 2 of 1,613,994 alleles (0.00012%); highest among the groups gnomAD compares: South Asian, 0.0022%; no homozygotes.

Submission:

Labcorp Genetics (formerly Invitae), Labcorp
Classification: Uncertain significance for Gorlin syndrome. Last evaluated: 2022-12-26. Review status: criteria provided, single submitter. Criteria: Invitae Variant Classification Sherloc (09022015). Collection method: clinical testing. Allele origin: germline.
Comment: In summary, the available evidence is currently insufficient to determine the role of this variant in disease. Therefore, it has been classified as a Variant of Uncertain Significance. Advanced modeling of protein sequence and biophysical properties (such as structural, functional, and spatial information, amino acid conservation, physicochemical variation, residue mobility, and thermodynamic stability) performed at Invitae indicates that this missense variant is not expected to disrupt PTCH1 protein function. ClinVar contains an entry for this variant (Variation ID: 1351084). This variant has not been reported in the literature in individuals affected with PTCH1-related conditions. This variant is not present in population databases (gnomAD no frequency). This sequence change replaces lysine, which is basic and polar, with arginine, which is basic and polar, at codon 1111 of the PTCH1 protein (p.Lys1111Arg).